The following is an entry in ClinVar:

ClinVar aggregate classification (germline): Uncertain significance (1 of 4 stars; one submission).

Conditions:
RYR1-related disorder. Also called: RYR1-related disorders; RYR1-related condition. Identifiers: MedGen CN239331.

Submission:

Labcorp Genetics (formerly Invitae), Labcorp
Classification: Uncertain significance for RYR1-Related Disorders. Last evaluated: 2019-02-13. Review status: criteria provided, single submitter. Criteria: Invitae Variant Classification Sherloc (09022015). Collection method: clinical testing. Allele origin: germline.
Comment: This sequence change replaces histidine with tyrosine at codon 2125 of the RYR1 protein (p.His2125Tyr). The histidine residue is highly conserved and there is a moderate physicochemical difference between histidine and tyrosine. This variant is not present in population databases (ExAC no frequency). This variant has not been reported in the literature in individuals with RYR1-related conditions. Algorithms developed to predict the effect of missense changes on protein structure and function are either unavailable or do not agree on the potential impact of this missense change (SIFT: "Deleterious"; PolyPhen-2: "Benign"; Align-GVGD: "Class C0"). In summary, the available evidence is currently insufficient to determine the role of this variant in disease. Therefore, it has been classified as a Variant of Uncertain Significance.

NM_000540.3(RYR1):c.6373C>T (p.His2125Tyr)

Gene: RYR1 (ryanodine receptor 1; plus strand). Cytogenetic location: 19q13.2.
Variant type: single nucleotide variant.
Coding change: c.6373C>T on transcript NM_000540.3 (MANE Select); coding-DNA position 6373, C replaced by T.
Protein change: p.His2125Tyr; replaces histidine 2125 with tyrosine.
Molecular consequence: missense variant.
Genome position (GRCh38, 1-based): chr19:38,494,450, C>T. VCF-style: chr19-38494450-C-T. GRCh37 (hg19) VCF-style: chr19-38985090-C-T.
Other names: c.6373C>T, p.His2125Tyr (NM_001042723.2); short protein forms H2125Y.
Identifiers: ClinVar variation 659646 (VCV000659646.2), dbSNP rs1600801415, ClinGen allele CA405663740.